The following is an entry in ClinVar:

ClinVar aggregate classification (germline): Uncertain significance (1 of 4 stars; one submission).

Submission:

Ambry Genetics
Classification: Uncertain significance. Last evaluated: 2025-05-05. Review status: criteria provided, single submitter. Criteria: Ambry Variant Classification Scheme 2023. Collection method: clinical testing. Allele origin: germline.
Comment: The p.V343M variant (also known as c.1027G>A), located in coding exon 9 of the GEN1 gene, results from a G to A substitution at nucleotide position 1027. The valine at codon 343 is replaced by methionine, an amino acid with highly similar properties. This amino acid position is conserved. In addition, this alteration is predicted to be tolerated by in silico analysis. Based on the available evidence, the clinical significance of this variant remains unclear.

NM_001130009.3(GEN1):c.1027G>A (p.Val343Met)

Gene: GEN1 (GEN1 Holliday junction 5' flap endonuclease; plus strand). Cytogenetic location: 2p24.2.
Variant type: single nucleotide variant.
Coding change: c.1027G>A on transcript NM_001130009.3 (MANE Select); coding-DNA position 1027, G replaced by A.
Protein change: p.Val343Met; replaces valine 343 with methionine.
Molecular consequence: missense variant.
Genome position (GRCh38, 1-based): chr2:17,773,255, G>A. VCF-style: chr2-17773255-G-A. GRCh37 (hg19) VCF-style: chr2-17954522-G-A.
Other names: c.1027G>A, p.Val343Met (NM_182625.5); short protein forms V343M.
Identifiers: ClinVar variation 4029275 (VCV004029275.1).